The following is an entry in ClinVar:

ClinVar aggregate classification (germline): Uncertain significance (1 of 4 stars; one submission).

Conditions:
Combined oxidative phosphorylation defect type 17. Also called: Combined oxidative phosphorylation deficiency 17. Identifiers: Orphanet 369913, MedGen C3809526, MONDO:0014190, OMIM 615440.

Allele frequency attached by ClinVar (database versions not stated): gnomAD exomes below 0.00001.
gnomAD v4.1: 6 of 1,594,374 alleles (0.00038%); highest among the groups gnomAD compares: Non-Finnish European, 0.00051%; no homozygotes.

Submission:

Labcorp Genetics (formerly Invitae), Labcorp
Classification: Uncertain significance for Combined oxidative phosphorylation defect type 17. Last evaluated: 2021-08-28. Review status: criteria provided, single submitter. Criteria: Invitae Variant Classification Sherloc (09022015). Collection method: clinical testing. Allele origin: germline.
Comment: This sequence change replaces proline with alanine at codon 556 of the ELAC2 protein (p.Pro556Ala). The proline residue is weakly conserved and there is a small physicochemical difference between proline and alanine. This variant is not present in population databases (ExAC no frequency). This variant has not been reported in the literature in individuals affected with ELAC2-related conditions. Algorithms developed to predict the effect of missense changes on protein structure and function (SIFT, PolyPhen-2, Align-GVGD) all suggest that this variant is likely to be tolerated. In summary, the available evidence is currently insufficient to determine the role of this variant in disease. Therefore, it has been classified as a Variant of Uncertain Significance.

NM_018127.7(ELAC2):c.1666C>G (p.Pro556Ala)

Gene: ELAC2 (elaC ribonuclease Z 2; minus strand). Cytogenetic location: 17p12.
Variant type: single nucleotide variant.
Coding change: c.1666C>G on transcript NM_018127.7 (MANE Select); coding-DNA position 1666, C replaced by G.
Protein change: p.Pro556Ala; replaces proline 556 with alanine.
Molecular consequence: missense variant.
Genome position (GRCh38, 1-based): chr17:12,995,972, G>C on the plus strand (C>G on the coding strand, the complement: ELAC2 is on the minus strand). VCF-style: chr17-12995972-G-C. GRCh37 (hg19) VCF-style: chr17-12899289-G-C.
Other names: c.1546C>G, p.Pro516Ala (NM_001165962.2); c.1663C>G, p.Pro555Ala (NM_173717.2); short protein forms P555A, P516A, P556A.
Identifiers: ClinVar variation 1036522 (VCV001036522.2), dbSNP rs2040449069, ClinGen allele CA398223795.